The following is an entry in ClinVar:

NM_002662.5(PLD1):c.893G>A (p.Arg298Gln)

Gene: PLD1 (phospholipase D1; minus strand). Cytogenetic location: 3q26.31.
Variant type: single nucleotide variant.
Coding change: c.893G>A on transcript NM_002662.5 (MANE Select); coding-DNA position 893, G replaced by A.
Protein change: p.Arg298Gln; replaces arginine 298 with glutamine.
Molecular consequence: missense variant.
Genome position (GRCh38, 1-based): chr3:171,713,911, C>T on the plus strand (G>A on the coding strand, the complement: PLD1 is on the minus strand). VCF-style: chr3-171713911-C-T. GRCh37 (hg19) VCF-style: chr3-171431701-C-T.
Other names: c.893G>A, p.Arg298Gln (NM_001130081.3); short protein forms R298Q.
Identifiers: ClinVar variation 1033941 (VCV001033941.5), dbSNP rs368807491, ClinGen allele CA2704810.

ClinVar aggregate classification (germline): Uncertain significance. Review status: criteria provided, multiple submitters, no conflicts (2 of 4 stars). 2 submissions from 2 submitters: Uncertain significance (2). Last evaluated 2025-10-02.

Conditions:
Cardiac valvular defect, developmental (CVDP1). Also called: CARDIAC VALVULAR DYSPLASIA 1. Identifiers: MedGen C5774175, MONDO:0008913, OMIM 212093.
Inborn genetic diseases. Identifiers: MedGen C0950123, MeSH D030342.

Allele frequency attached by ClinVar (database versions not stated): gnomAD exomes 0.00004 and 0.00003; TOPMed 0.00006; ESP Exome Variant Server 0.00008; ExAC 0.00004; gnomAD 0.00006 and 0.00009.
gnomAD v4.1: 57 of 1,612,320 alleles (0.0035%); highest among the groups gnomAD compares: South Asian, 0.0099%; no homozygotes.

Submissions (2):

Ambry Genetics
Classification: Uncertain significance for Inborn genetic diseases. Last evaluated: 2025-10-02. Review status: criteria provided, single submitter. Criteria: Ambry Variant Classification Scheme 2023. Collection method: clinical testing. Allele origin: germline.

Baylor Genetics
Classification: Uncertain significance for Cardiac valvular defect, developmental. Last evaluated: 2018-04-25. Review status: criteria provided, single submitter. Criteria: ACMG Guidelines, 2015. Collection method: clinical testing. Allele origin: paternal. Affected: yes.
Comment: This variant was determined to be of uncertain significance according to ACMG Guidelines, 2015 [PMID:25741868].